The following is an entry in ClinVar:

ClinVar aggregate classification (germline): Uncertain significance. Review status: criteria provided, multiple submitters, no conflicts (2 of 4 stars). 2 submissions from 2 submitters: Uncertain significance (2). Last evaluated 2020-09-01.

Conditions:
Spastic paraplegia. Identifiers: MedGen C0037772, HP:0001258.

Submissions (2):

CeGaT Center for Human Genetics Tuebingen
Classification: Uncertain significance. Last evaluated: 2020-09-01. Review status: criteria provided, single submitter. Criteria: CeGaT Center For Human Genetics Tuebingen Variant Classification Criteria Version 2. Collection method: clinical testing. Allele origin: germline. Affected: yes. Observed: 1 variant allele.

Labcorp Genetics (formerly Invitae), Labcorp
Classification: Uncertain significance for Spastic paraplegia. Last evaluated: 2019-06-04. Review status: criteria provided, single submitter. Criteria: Invitae Variant Classification Sherloc (09022015). Collection method: clinical testing. Allele origin: germline.
Comment: This sequence change replaces leucine with proline at codon 358 of the ZFYVE26 protein (p.Leu358Pro). The leucine residue is highly conserved and there is a moderate physicochemical difference between leucine and proline. This variant is not present in population databases (ExAC no frequency). This variant has not been reported in the literature in individuals with ZFYVE26-related conditions. Algorithms developed to predict the effect of missense changes on protein structure and function (SIFT, PolyPhen-2, Align-GVGD) all suggest that this variant is likely to be disruptive, but these predictions have not been confirmed by published functional studies and their clinical significance is uncertain. In summary, the available evidence is currently insufficient to determine the role of this variant in disease. Therefore, it has been classified as a Variant of Uncertain Significance.

NM_015346.4(ZFYVE26):c.1073T>C (p.Leu358Pro)

Gene: ZFYVE26 (zinc finger FYVE-type containing 26; minus strand). Cytogenetic location: 14q24.1.
Variant type: single nucleotide variant.
Coding change: c.1073T>C on transcript NM_015346.4 (MANE Select); coding-DNA position 1073, T replaced by C.
Protein change: p.Leu358Pro; replaces leucine 358 with proline.
Molecular consequence: missense variant.
Genome position (GRCh38, 1-based): chr14:67,805,563, A>G on the plus strand (T>C on the coding strand, the complement: ZFYVE26 is on the minus strand). VCF-style: chr14-67805563-A-G. GRCh37 (hg19) VCF-style: chr14-68272280-A-G.
Other names: short protein forms L358P.
Identifiers: ClinVar variation 933387 (VCV000933387.39), dbSNP rs2040164683, ClinGen allele CA390177462.